The following is an entry in ClinVar:

NM_001142800.2(EYS):c.5755C>T (p.Leu1919Phe)

Gene: EYS (EGF-like photoreceptor maintenance factor; minus strand). Cytogenetic location: 6q12.
Variant type: single nucleotide variant.
Coding change: c.5755C>T on transcript NM_001142800.2 (MANE Select); coding-DNA position 5755, C replaced by T.
Protein change: p.Leu1919Phe; replaces leucine 1919 with phenylalanine.
Molecular consequence: missense variant.
Genome position (GRCh38, 1-based): chr6:64,439,242, G>A on the plus strand (C>T on the coding strand, the complement: EYS is on the minus strand). VCF-style: chr6-64439242-G-A. GRCh37 (hg19) VCF-style: chr6-65149135-G-A.
Other names: c.5755C>T, p.Leu1919Phe (NM_001292009.2); short protein forms L1919F.
Identifiers: ClinVar variation 909763 (VCV000909763.5), dbSNP rs1275377315, ClinGen allele CA364392676.
Genomic context (GRCh38, chr6:64,439,242, plus strand): 5'-TAAACAATTGAATAAAAAATCCATCTACTAAATTTGAGTCTTGCTTGACATACAGCAGAA[G>A]TCCATAGGAGCTGAAGGTCTGAAATTCTAGGGAGATGTTATTTTGTGGATTTAAAGCCAC-3'
Protein context (NP_001136272.1, residues 1909-1929): LEFQTFSSYG[Leu1919Phe]LLYVKQDSNL

ClinVar aggregate classification (germline): Uncertain significance. Review status: criteria provided, multiple submitters, no conflicts (2 of 4 stars). 2 submissions from 2 submitters: Uncertain significance (2). Last evaluated 2022-01-15.

Conditions:
Retinitis pigmentosa (RP). Identifiers: Orphanet 791, MedGen C0035334, MeSH D012174, MONDO:0019200, OMIM 268000. Inheritance: Autosomal dominant, autosomal recessive and X linked inheritance.

Allele frequency attached by ClinVar (database versions not stated): gnomAD exomes 0.00001; TOPMed 0.00001.
gnomAD v4.1: 7 of 1,512,816 alleles (0.00046%); highest among the groups gnomAD compares: Non-Finnish European, 0.00062%; no homozygotes.

Submissions (2):

Labcorp Genetics (formerly Invitae), Labcorp
Classification: Uncertain significance. Last evaluated: 2022-01-15. Review status: criteria provided, single submitter. Criteria: Invitae Variant Classification Sherloc (09022015). Collection method: clinical testing. Allele origin: germline.
Comment: This sequence change replaces leucine, which is neutral and non-polar, with phenylalanine, which is neutral and non-polar, at codon 1919 of the EYS protein (p.Leu1919Phe). This variant is present in population databases (no rsID available, gnomAD 0.002%). This variant has not been reported in the literature in individuals affected with EYS-related conditions. ClinVar contains an entry for this variant (Variation ID: 909763). Algorithms developed to predict the effect of missense changes on protein structure and function (SIFT, PolyPhen-2, Align-GVGD) all suggest that this variant is likely to be tolerated. In summary, the available evidence is currently insufficient to determine the role of this variant in disease. Therefore, it has been classified as a Variant of Uncertain Significance.

Illumina Laboratory Services, Illumina
Classification: Uncertain significance for Retinitis pigmentosa. Last evaluated: 2018-01-13. Review status: criteria provided, single submitter. Criteria: ICSL Variant Classification Criteria 13 December 2019. Collection method: clinical testing. Allele origin: germline.